The following is an entry in ClinVar:

NM_001904.4(CTNNB1):c.181C>T (p.Gln61Ter)

Genes: CTNNB1 (catenin beta 1; plus strand), LOC126806658 (BRD4-independent group 4 enhancer GRCh37_chr3:41265899-41267098; plus strand). Cytogenetic location: 3p22.1.
Variant type: single nucleotide variant.
Coding change: c.181C>T on transcript NM_001904.4 (MANE Select); coding-DNA position 181, C replaced by T.
Protein change: p.Gln61Ter; replaces glutamine 61 with a stop codon.
Molecular consequence: nonsense.
Genome position (GRCh38, 1-based): chr3:41,224,693, C>T. VCF-style: chr3-41224693-C-T. GRCh37 (hg19) VCF-style: chr3-41266184-C-T.
Other names: c.181C>T, p.Gln61Ter (NM_001098209.2, NM_001098210.2); c.160C>T, p.Gln54Ter (NM_001330729.2); short protein forms Q54*, Q61*.
Identifiers: ClinVar variation 1399229 (VCV001399229.8), dbSNP rs2125617982, ClinGen allele CA352228659.

ClinVar aggregate classification (germline): Pathogenic/Likely pathogenic. Review status: criteria provided, multiple submitters, no conflicts (2 of 4 stars). 2 submissions from 2 submitters: Pathogenic (1); Likely pathogenic (1). Last evaluated 2025-05-25.

Conditions:
Severe intellectual disability-progressive spastic diplegia syndrome (NEDSDV). Also called: NEURODEVELOPMENTAL DISORDER WITH SPASTIC DIPLEGIA AND VISUAL DEFECTS; CTNNB1 Neurodevelopmental Disorder. Identifiers: Orphanet 404473, MedGen C3554449, MONDO:0014035, OMIM 615075.

Submissions (2):

Dasa
Classification: Likely pathogenic for Severe intellectual disability-progressive spastic diplegia syndrome. Last evaluated: 2025-05-25. Review status: criteria provided, single submitter. Criteria: DASA Assertion Criteria. Collection method: clinical testing. Allele origin: germline.
Comment: NM_001904.4(CTNNB1):c.181C>T (p.Gln61*) is a nonsense variant in CTNNB1 predicted to introduce a premature termination codon and is predicted to result in an absent or altered protein product. Loss of function is an established disease mechanism for CTNNB1 (PMID: 27915094; PMID: 23033978; PMID: 25326669). Also, this variant is absent from population databases. Based on the currently available evidence, this variant is classified as likely pathogenic.

Labcorp Genetics (formerly Invitae), Labcorp
Classification: Pathogenic. Last evaluated: 2021-10-20. Review status: criteria provided, single submitter. Criteria: Invitae Variant Classification Sherloc (09022015). Collection method: clinical testing. Allele origin: germline.
Comment: This sequence change creates a premature translational stop signal (p.Gln61*) in the CTNNB1 gene. It is expected to result in an absent or disrupted protein product. Loss-of-function variants in CTNNB1 are known to be pathogenic (PMID: 23033978, 24614104, 25326669, 26350204, 28575650). This variant is not present in population databases (ExAC no frequency). This variant has not been reported in the literature in individuals affected with CTNNB1-related conditions. For these reasons, this variant has been classified as Pathogenic.

Literature cited by the submitters: PubMed 27915094 (cited by Dasa); PubMed 23033978 (cited by Dasa and Labcorp Genetics (formerly Invitae), Labcorp); PubMed 25326669 (cited by Dasa and Labcorp Genetics (formerly Invitae), Labcorp); PubMed 24614104 (cited by Labcorp Genetics (formerly Invitae), Labcorp); PubMed 26350204 (cited by Labcorp Genetics (formerly Invitae), Labcorp); PubMed 28575650 (cited by Labcorp Genetics (formerly Invitae), Labcorp).